The following is an entry in ClinVar:

NM_003500.4(ACOX2):c.979C>T (p.Arg327Trp)

Gene: ACOX2 (acyl-CoA oxidase 2; minus strand). Cytogenetic location: 3p14.3.
Variant type: single nucleotide variant.
Coding change: c.979C>T on transcript NM_003500.4 (MANE Select); coding-DNA position 979, C replaced by T.
Protein change: p.Arg327Trp; replaces arginine 327 with tryptophan.
Molecular consequence: missense variant.
Genome position (GRCh38, 1-based): chr3:58,530,479, G>A on the plus strand (C>T on the coding strand, the complement: ACOX2 is on the minus strand). VCF-style: chr3-58530479-G-A. GRCh37 (hg19) VCF-style: chr3-58516206-G-A.
Other names: short protein forms R327W.
Identifiers: ClinVar variation 2742117 (VCV002742117.3), dbSNP rs138459863, ClinGen allele CA2472214.

ClinVar aggregate classification (germline): Uncertain significance (1 of 4 stars; one submission).

Allele frequency attached by ClinVar (database versions not stated): 1000 Genomes Project 30x 0.00031; ExAC 0.00004; 1000 Genomes Project 0.00020; ESP Exome Variant Server 0.00008.
gnomAD v4.1: 7 of 1,614,062 alleles (0.00043%); highest among the groups gnomAD compares: African/African-American, 0.0053%; no homozygotes.

Submission:

Labcorp Genetics (formerly Invitae), Labcorp
Classification: Uncertain significance. Last evaluated: 2025-06-12. Review status: criteria provided, single submitter. Criteria: Invitae Variant Classification Sherloc (09022015). Collection method: clinical testing. Allele origin: germline.
Comment: This sequence change replaces arginine, which is basic and polar, with tryptophan, which is neutral and slightly polar, at codon 327 of the ACOX2 protein (p.Arg327Trp). This variant is present in population databases (rs138459863, gnomAD 0.02%). This variant has not been reported in the literature in individuals affected with ACOX2-related conditions. ClinVar contains an entry for this variant (Variation ID: 2742117). Invitae Evidence Modeling of protein sequence and biophysical properties (such as structural, functional, and spatial information, amino acid conservation, physicochemical variation, residue mobility, and thermodynamic stability) indicates that this missense variant is expected to disrupt ACOX2 protein function with a positive predictive value of 80%. In summary, the available evidence is currently insufficient to determine the role of this variant in disease. Therefore, it has been classified as a Variant of Uncertain Significance.